The following is an entry in ClinVar:

ClinVar aggregate classification (germline): Conflicting classifications of pathogenicity. Review status: criteria provided, conflicting classifications (1 of 4 stars). 7 submissions from 7 submitters: Uncertain significance (4); Likely benign (1). 2 of the submissions do not count toward it. Last evaluated 2026-01-22.

Conditions:
Distal myopathy with anterior tibial onset. Identifiers: Orphanet 178400, MedGen C1847532, MONDO:0011721, OMIM 606768.
Miyoshi muscular dystrophy 1 (MMD1). Identifiers: Orphanet 45448, MedGen C4551973, MONDO:0024545, OMIM 254130.
Autosomal recessive limb-girdle muscular dystrophy type 2B (LGMDR2). Also called: MUSCULAR DYSTROPHY, LIMB-GIRDLE, AUTOSOMAL RECESSIVE 2; Limb-girdle muscular dystrophy, type 2B; Limb-Girdle Muscular Dystrophy Type 2B (LGMD2B); MUSCULAR DYSTROPHY, LIMB-GIRDLE, TYPE 3. Identifiers: Orphanet 268, MedGen C1850889, MONDO:0009676, OMIM 253601.
Neuromuscular disease caused by qualitative or quantitative defects of dysferlin. Also called: Dysferlinopathy; Qualitative or quantitative defects of dysferlin. Identifiers: Orphanet 207073, MedGen C2931687, MONDO:0016145.

Allele frequency attached by ClinVar (database versions not stated): gnomAD exomes 0.00004 and 0.00012; ESP Exome Variant Server 0.00008; ExAC 0.00010; gnomAD 0.00015 and 0.00016; TOPMed 0.00019; 1000 Genomes Project 30x 0.00047; 1000 Genomes Project 0.00060.
gnomAD v4.1: 90 of 1,614,188 alleles (0.0056%); highest among the groups gnomAD compares: African/African-American, 0.041%; 1 homozygote.

Submissions (7):

Labcorp Genetics (formerly Invitae), Labcorp
Classification: Likely benign for Neuromuscular disease caused by qualitative or quantitative defects of dysferlin. Last evaluated: 2026-01-22. Review status: criteria provided, single submitter. Criteria: Invitae Variant Classification Sherloc (09022015). Collection method: clinical testing. Allele origin: germline.

Blueprint Genetics
Classification: Uncertain significance. Last evaluated: 2023-05-12. Review status: criteria provided, single submitter. Criteria: ACMG Guidelines, 2015. Collection method: clinical testing. Allele origin: germline.

Women's Health and Genetics/Laboratory Corporation of America, LabCorp
Classification: Uncertain significance. Last evaluated: 2022-06-02. Review status: criteria provided, single submitter. Criteria: LabCorp Variant Classification Summary - May 2015. Collection method: clinical testing. Allele origin: germline.
Comment: Variant summary: DYSF c.4985C>T (p.Thr1662Met) results in a non-conservative amino acid change located in one of the C2 repeat domains (IPR000008) of the encoded protein sequence. Five of five in-silico tools predict a damaging effect of the variant on protein function. The variant allele was found at a frequency of 0.00012 in 282882 control chromosomes in the gnomAD database, including 1 homozygote. This frequency is not higher than the estimated maximum expected for a pathogenic variant in DYSF causing Limb-Girdle Muscular Dystrophy, Autosomal Recessive (0.0031), allowing no conclusion about variant significance. c.4985C>T has been reported in the literature in compound heterozygous state (with a VUS in trans) in an individual with suspected Limb-Girdle Muscular Dystrophy (Yu_2017, Zhong_2021), and in heterozygous state in an individual with myalgia (Bevilacqua_2020 through LOVD). These reports do not provide unequivocal conclusions about association of the variant with Limb-Girdle Muscular Dystrophy, Autosomal Recessive. To our knowledge, no experimental evidence demonstrating an impact on protein function has been reported. Four clinical diagnostic laboratories have submitted clinical-significance assessments for this variant to ClinVar after 2014 without evidence for independent evaluation. All laboratories classified the variant as uncertain significance. Based on the evidence outlined above, the variant was classified as uncertain significance.

Fulgent Genetics
Classification: Uncertain significance for Autosomal recessive limb-girdle muscular dystrophy type 2B; Miyoshi muscular dystrophy 1; Distal myopathy with anterior tibial onset. Last evaluated: 2021-08-02. Review status: criteria provided, single submitter. Criteria: ACMG Guidelines, 2015. Collection method: clinical testing. Allele origin: unknown.

Mayo Clinic Laboratories, Mayo Clinic
Classification: Uncertain significance. Last evaluated: 2019-12-26. Review status: criteria provided, single submitter. Criteria: ACMG Guidelines, 2015. Collection method: clinical testing. Allele origin: germline. Observed: 1 variant allele.

Natera, Inc.
Classification: Uncertain significance for Limb-girdle muscular dystrophy type 2B. Last evaluated: 2020-01-27. Review status: no assertion criteria provided. Collection method: clinical testing. Allele origin: germline. Not counted in ClinVar's aggregate classification.

Counsyl
Classification: Uncertain significance for Autosomal recessive limb-girdle muscular dystrophy type 2B. Last evaluated: 2017-11-07. Review status: no assertion criteria provided. Collection method: clinical testing. Allele origin: unknown. Not counted in ClinVar's aggregate classification.

Literature cited by the submitters: PubMed 31931849 (cited by Women's Health and Genetics/Laboratory Corporation of America, LabCorp); PubMed 34559919 (cited by Women's Health and Genetics/Laboratory Corporation of America, LabCorp); PubMed 28403181 (cited by Women's Health and Genetics/Laboratory Corporation of America, LabCorp and Counsyl).

NM_001130987.2(DYSF):c.5102C>T (p.Thr1701Met)

Gene: DYSF (dysferlin; plus strand). Cytogenetic location: 2p13.2.
Variant type: single nucleotide variant.
Coding change: c.5102C>T on transcript NM_001130987.2 (MANE Select); coding-DNA position 5102, C replaced by T.
Protein change: p.Thr1701Met; replaces threonine 1701 with methionine.
Molecular consequence: missense variant.
Genome position (GRCh38, 1-based): chr2:71,664,366, C>T. VCF-style: chr2-71664366-C-T. GRCh37 (hg19) VCF-style: chr2-71891496-C-T.
Other names: c.4988C>T, p.Thr1663Met (NM_001130455.2); c.4943C>T, p.Thr1648Met (NM_001130976.2); c.5006C>T, p.Thr1669Met (NM_001130977.2); c.5048C>T, p.Thr1683Met (NM_001130978.2); c.5078C>T, p.Thr1693Met (NM_001130979.2); c.5036C>T, p.Thr1679Met (NM_001130980.2); c.5099C>T, p.Thr1700Met (NM_001130981.2); c.5081C>T, p.Thr1694Met (NM_001130982.2); and 5 more; short protein forms T1662M, T1701M, T1648M, T1649M, T1663M, T1670M, T1693M, T1680M.
Identifiers: ClinVar variation 554830 (VCV000554830.19), dbSNP rs143059463, ClinGen allele CA1707245.